The following is an entry in ClinVar:

NM_000718.4(CACNA1B):c.3807+62GT[10]

Gene: CACNA1B (calcium voltage-gated channel subunit alpha1 B; plus strand). Cytogenetic location: 9q34.3.
Variant type: Microsatellite.
Coding change: c.3807+62GT[10] on transcript NM_000718.4 (MANE Select); ten copies in a row of the 2-base unit GT starting at c.3807+62; the reference has seven copies in a row; three copies, 6 bases duplicated.
Molecular consequence: intron variant.
Genome position (GRCh38, 1-based): chr9:138,052,258-138,052,263, GTGTGT duplicated; duplicating any 6 consecutive bases within chr9:138,052,250-138,052,263 gives the same sequence; the position shown is the placement nearest the transcript's 3' end. VCF-style (leftmost placement, unchanged base first): chr9-138052249-C-CGTGTGT. GRCh37 (hg19) VCF-style: chr9-140946701-C-CGTGTGT.
Other names: c.3807+62GT[10] (NM_001243812.2).
Identifiers: ClinVar variation 1686659 (VCV001686659.2), dbSNP rs140068697, ClinGen allele CA591261721.
Genomic context (GRCh38, chr9:138,052,249, plus strand): 5'-GTTAGAGCCTGGAGTTGGGGCTTGAGGGATGTGCTGTGTGTGTGTGCGTGTGTGTGTGTG[C>CGTGTGT]GTGTGTGTGTGTGTATGCATGCAGTGCATGAGTGTGTGTGTGTTCACATCACACCCCTGT-3'

ClinVar aggregate classification (germline): Likely benign (1 of 4 stars; one submission).

Submission:

GeneDx
Classification: Likely benign. Last evaluated: 2021-10-18. Review status: criteria provided, single submitter. Criteria: GeneDx Variant Classification Process June 2021. Collection method: clinical testing. Allele origin: germline. Affected: yes.
Comment: See Variant Classification Assertion Criteria.